The following is an entry in ClinVar:

NM_014305.4(TGDS):c.820C>A (p.Gln274Lys)

Gene: TGDS (TDP-glucose 4,6-dehydratase; minus strand). Cytogenetic location: 13q32.1.
Variant type: single nucleotide variant.
Coding change: c.820C>A on transcript NM_014305.4 (MANE Select); coding-DNA position 820, C replaced by A.
Protein change: p.Gln274Lys; replaces glutamine 274 with lysine.
Molecular consequence: missense variant. On other transcripts: non-coding transcript variant (2).
Genome position (GRCh38, 1-based): chr13:94,578,010, G>T on the plus strand (C>A on the coding strand, the complement: TGDS is on the minus strand). VCF-style: chr13-94578010-G-T. GRCh37 (hg19) VCF-style: chr13-95230264-G-T.
Other names: c.724C>A, p.Gln242Lys (NM_001304430.2); short protein forms Q242K, Q274K.
Identifiers: ClinVar variation 3609025 (VCV003609025.2).

ClinVar aggregate classification (germline): Uncertain significance (1 of 4 stars; one submission).

gnomAD v4.1: 5 of 1,613,516 alleles (0.00031%); highest among the groups gnomAD compares: Admixed American, 0.0033%; no homozygotes.

Submission:

Labcorp Genetics (formerly Invitae), Labcorp
Classification: Uncertain significance. Last evaluated: 2024-11-05. Review status: criteria provided, single submitter. Criteria: Invitae Variant Classification Sherloc (09022015). Collection method: clinical testing. Allele origin: germline.
Comment: This sequence change replaces glutamine, which is neutral and polar, with lysine, which is basic and polar, at codon 274 of the TGDS protein (p.Gln274Lys). This variant is present in population databases (rs140589210, gnomAD 0.007%). This variant has not been reported in the literature in individuals affected with TGDS-related conditions. Invitae Evidence Modeling of protein sequence and biophysical properties (such as structural, functional, and spatial information, amino acid conservation, physicochemical variation, residue mobility, and thermodynamic stability) indicates that this missense variant is not expected to disrupt TGDS protein function with a negative predictive value of 80%. In summary, the available evidence is currently insufficient to determine the role of this variant in disease. Therefore, it has been classified as a Variant of Uncertain Significance.